The following is an entry in ClinVar:

NM_015338.6(ASXL1):c.3265C>G (p.Pro1089Ala)

Gene: ASXL1 (ASXL transcriptional regulator 1; plus strand). Cytogenetic location: 20q11.21.
Variant type: single nucleotide variant.
Coding change: c.3265C>G on transcript NM_015338.6 (MANE Select); coding-DNA position 3265, C replaced by G.
Protein change: p.Pro1089Ala; replaces proline 1089 with alanine.
Molecular consequence: missense variant.
Genome position (GRCh38, 1-based): chr20:32,435,977, C>G. VCF-style: chr20-32435977-C-G. GRCh37 (hg19) VCF-style: chr20-31023780-C-G.
Other names: c.3082C>G, p.Pro1028Ala (NM_001363734.1); short protein forms P1089A, P1028A.
Identifiers: ClinVar variation 2699978 (VCV002699978.3), dbSNP rs1237208885, ClinGen allele CA408562699.
Genomic context (GRCh38, chr20:32,435,977, plus strand): 5'-GTATGTGCGGTCCGCCAAAAGATCCCAGATTCCCTACTGCTGGCCAGTACTGAGTACCAG[C>G]CAAGAGCCGTGTGCCTGTCCATGCCTGGGTCCTCAGTGGAGGCCACTAACCCACTTGTGA-3'
Protein context (NP_056153.2, residues 1079-1099): SLLLASTEYQ[Pro1089Ala]RAVCLSMPGS

ClinVar aggregate classification (germline): Uncertain significance (1 of 4 stars; one submission).

Submission:

Labcorp Genetics (formerly Invitae), Labcorp
Classification: Uncertain significance. Last evaluated: 2024-03-22. Review status: criteria provided, single submitter. Criteria: Invitae Variant Classification Sherloc (09022015). Collection method: clinical testing. Allele origin: germline.
Comment: This sequence change replaces proline, which is neutral and non-polar, with alanine, which is neutral and non-polar, at codon 1089 of the ASXL1 protein (p.Pro1089Ala). This variant is not present in population databases (gnomAD no frequency). This variant has not been reported in the literature in individuals affected with ASXL1-related conditions. An algorithm developed to predict the effect of missense changes on protein structure and function (PolyPhen-2) suggests that this variant is likely to be tolerated. In summary, the available evidence is currently insufficient to determine the role of this variant in disease. Therefore, it has been classified as a Variant of Uncertain Significance.